The following is an entry in ClinVar:

NM_000051.4(ATM):c.642C>T (p.Ser214=)

Gene: ATM (ATM serine/threonine kinase; plus strand). Cytogenetic location: 11q22.3.
Variant type: single nucleotide variant.
Coding change: c.642C>T on transcript NM_000051.4 (MANE Select); coding-DNA position 642, C replaced by T.
Protein change: p.Ser214=; no amino-acid change (serine 214 retained).
Molecular consequence: synonymous variant.
Genome position (GRCh38, 1-based): chr11:108,244,098, C>T. VCF-style: chr11-108244098-C-T. GRCh37 (hg19) VCF-style: chr11-108114825-C-T.
Other names: c.642C>T, p.Ser214= (NM_001351834.2).
Identifiers: ClinVar variation 524479 (VCV000524479.11), dbSNP rs1555066521, ClinGen allele CA476671478.

ClinVar aggregate classification (germline): Benign/Likely benign. Review status: criteria provided, multiple submitters, no conflicts (2 of 4 stars). 3 submissions from 3 submitters: Benign (1); Likely benign (2). Last evaluated 2024-04-22.

Conditions:
Familial cancer of breast. Also called: hereditary breast carcinoma; BREAST CANCER, FAMILIAL; Hereditary breast cancer. Identifiers: Orphanet 227535, MedGen C0346153, MONDO:0016419, OMIM 114480. Disease mechanism: loss of function.
Hereditary cancer-predisposing syndrome. Also called: Neoplastic Syndromes, Hereditary; Tumor predisposition; Hereditary Cancer Syndrome; Hereditary neoplastic syndrome. Identifiers: Orphanet 140162, MedGen C0027672, MeSH D009386, MONDO:0015356.
Ataxia-telangiectasia syndrome (AT). Also called: ATAXIA-TELANGIECTASIA, COMPLEMENTATION GROUP A; ATAXIA-TELANGIECTASIA, FRESNO VARIANT; Ataxia-telangiectasia; Ataxia-telangiectasia, complementation group D; AT, COMPLEMENTATION GROUP C; Ataxia-telangiectasia, complementation group E. Identifiers: Orphanet 100, MedGen C0004135, MONDO:0008840, OMIM 208900.

Submissions (3):

Myriad Genetics, Inc.
Classification: Benign for Familial cancer of breast. Last evaluated: 2024-04-22. Review status: criteria provided, single submitter. Criteria: Myriad Autosomal Dominant, Autosomal Recessive and X-Linked Classification Criteria (2023). Collection method: clinical testing. Allele origin: unknown.
Comment: This variant is considered benign. This variant is a silent/synonymous amino acid change and it is not expected to impact splicing.

Labcorp Genetics (formerly Invitae), Labcorp
Classification: Likely benign for Ataxia-telangiectasia syndrome. Last evaluated: 2024-02-05. Review status: criteria provided, single submitter. Criteria: Invitae Variant Classification Sherloc (09022015). Collection method: clinical testing. Allele origin: germline.

Ambry Genetics
Classification: Likely benign for Hereditary cancer-predisposing syndrome. Last evaluated: 2021-10-10. Review status: criteria provided, single submitter. Criteria: Ambry Variant Classification Scheme 2023. Collection method: clinical testing. Allele origin: germline.